The following is an entry in ClinVar:

ClinVar aggregate classification (germline): Uncertain significance (1 of 4 stars; one submission).

Conditions:
Early-infantile DEE. Also called: Early infantile epileptic encephalopathy; Ohtahara syndrome; Early infantile epileptic encephalopathy with suppression bursts. Identifiers: Orphanet 1934, MedGen C0393706, MONDO:0800491.

Allele frequency attached by ClinVar (database versions not stated): gnomAD exomes below 0.00001; TOPMed below 0.00001; gnomAD 0.00001.
gnomAD v4.1: 3 of 1,613,248 alleles (0.00019%); highest among the groups gnomAD compares: African/African-American, 0.004%; no homozygotes.

Submission:

Labcorp Genetics (formerly Invitae), Labcorp
Classification: Uncertain significance for Early-infantile DEE. Last evaluated: 2022-03-03. Review status: criteria provided, single submitter. Criteria: Invitae Variant Classification Sherloc (09022015). Collection method: clinical testing. Allele origin: germline.
Comment: In summary, the available evidence is currently insufficient to determine the role of this variant in disease. Therefore, it has been classified as a Variant of Uncertain Significance. Algorithms developed to predict the effect of missense changes on protein structure and function are either unavailable or do not agree on the potential impact of this missense change (SIFT: "Deleterious"; PolyPhen-2: "Benign"; Align-GVGD: "Class C0"). This variant has not been reported in the literature in individuals affected with ARHGEF15-related conditions. This variant is not present in population databases (gnomAD no frequency). This sequence change replaces glutamine, which is neutral and polar, with arginine, which is basic and polar, at codon 804 of the ARHGEF15 protein (p.Gln804Arg). ClinVar contains an entry for this variant (Variation ID: 946796).

NM_173728.4(ARHGEF15):c.2411A>G (p.Gln804Arg)

Gene: ARHGEF15 (Rho guanine nucleotide exchange factor 15; plus strand). Cytogenetic location: 17p13.1.
Variant type: single nucleotide variant.
Coding change: c.2411A>G on transcript NM_173728.4 (MANE Select); coding-DNA position 2411, A replaced by G.
Protein change: p.Gln804Arg; replaces glutamine 804 with arginine.
Molecular consequence: missense variant.
Genome position (GRCh38, 1-based): chr17:8,320,878, A>G. VCF-style: chr17-8320878-A-G. GRCh37 (hg19) VCF-style: chr17-8224196-A-G.
Other names: c.2411A>G, p.Gln804Arg (NM_025014.2); short protein forms Q804R.
Identifiers: ClinVar variation 946796 (VCV000946796.10), dbSNP rs1279498244, ClinGen allele CA398025965.
Genomic context (GRCh38, chr17:8,320,878, plus strand): 5'-GAGCCTCTGTCTCTCTTCCCCCAGGTTGGCTGAAGGGGCTTCCTGGGGCCTTCCCTGCCC[A>G]GCTGGTGTGTGAAGTCACAGGGGAACACGAAAGGAGGAGGCACCTTCGCCAGAACCAGAG-3'
Protein context (NP_776089.2, residues 794-814): LKGLPGAFPA[Gln804Arg]LVCEVTGEHE